The following is an entry in ClinVar:

NM_003000.3(SDHB):c.84A>G (p.Gly28=)

Gene: SDHB (succinate dehydrogenase complex iron sulfur subunit B; minus strand). Cytogenetic location: 1p36.13.
Variant type: single nucleotide variant.
Coding change: c.84A>G on transcript NM_003000.3 (MANE Select); coding-DNA position 84, A replaced by G.
Protein change: p.Gly28=; no amino-acid change (glycine 28 retained).
Molecular consequence: synonymous variant.
Genome position (GRCh38, 1-based): chr1:17,044,877, T>C on the plus strand (A>G on the coding strand, the complement: SDHB is on the minus strand). VCF-style: chr1-17044877-T-C. GRCh37 (hg19) VCF-style: chr1-17371372-T-C.
Identifiers: ClinVar variation 761975 (VCV000761975.13), dbSNP rs1337602604, ClinGen allele CA416047204.

ClinVar aggregate classification (germline): Benign/Likely benign. Review status: criteria provided, multiple submitters, no conflicts (2 of 4 stars). 3 submissions from 3 submitters: Benign (1); Likely benign (2). Last evaluated 2025-07-09.

Conditions:
Gastrointestinal stromal tumor. Also called: Gastrointestinal stromal tumor, somatic; Gastrointestinal stroma tumor. Identifiers: Orphanet 44890, MedGen C0238198, MeSH D046152, MONDO:0011719, OMIM 606764, HP:0100723.
Pheochromocytoma/paraganglioma syndrome 4. Also called: SDHB-Related Hereditary Paraganglioma-Pheochromocytoma Syndrome (Paragangliomas 4); SDHB-Related Hereditary Paraganglioma-Pheochromocytoma Syndrome; CAROTID BODY TUMORS AND MULTIPLE EXTRAADRENAL PHEOCHROMOCYTOMAS; PARAGANGLIOMA, FAMILIAL MALIGNANT; PARAGANGLIOMAS, HEREDITARY EXTRAADRENAL; PHEOCHROMOCYTOMA, FAMILIAL EXTRAADRENAL. Identifiers: Orphanet 29072, MedGen C1861848, MONDO:0007273, OMIM 115310.
Pheochromocytoma. Also called: MAX-Related Hereditary Paraganglioma-Pheochromocytoma Syndrome. Identifiers: Orphanet 29072, MedGen C0031511, MONDO:0008233, OMIM 171300, HP:0002666.
Hereditary cancer-predisposing syndrome. Also called: Neoplastic Syndromes, Hereditary; Hereditary Cancer Syndrome; Hereditary neoplastic syndrome; Tumor predisposition. Identifiers: Orphanet 140162, MedGen C0027672, MeSH D009386, MONDO:0015356.

Allele frequency attached by ClinVar (database versions not stated): gnomAD 0.00001; TOPMed 0.00001.
gnomAD v4.1: 2 of 1,613,708 alleles (0.00012%); highest among the groups gnomAD compares: African/African-American, 0.0027%; no homozygotes.

Submissions (3):

Labcorp Genetics (formerly Invitae), Labcorp
Classification: Likely benign for Gastrointestinal stromal tumor; Pheochromocytoma/paraganglioma syndrome 4; Pheochromocytoma. Last evaluated: 2025-07-09. Review status: criteria provided, single submitter. Criteria: Invitae Variant Classification Sherloc (09022015). Collection method: clinical testing. Allele origin: germline.

Myriad Genetics, Inc.
Classification: Benign for Pheochromocytoma/paraganglioma syndrome 4. Last evaluated: 2025-03-12. Review status: criteria provided, single submitter. Criteria: Myriad Autosomal Dominant, Autosomal Recessive and X-Linked Classification Criteria (2023). Collection method: clinical testing. Allele origin: unknown.
Comment: This variant is considered benign. This variant is a silent/synonymous amino acid change and it is not expected to impact splicing.

Ambry Genetics
Classification: Likely benign for Hereditary cancer-predisposing syndrome. Last evaluated: 2022-03-08. Review status: criteria provided, single submitter. Criteria: Ambry Variant Classification Scheme 2023. Collection method: clinical testing. Allele origin: germline.